The following is an entry in ClinVar:

ClinVar aggregate classification (germline): Uncertain significance. Review status: criteria provided, multiple submitters, no conflicts (2 of 4 stars). 2 submissions from 2 submitters: Uncertain significance (2). Last evaluated 2023-12-27.

Conditions:
Inborn genetic diseases. Identifiers: MedGen C0950123, MeSH D030342.
Spastic paraplegia. Identifiers: MedGen C0037772, HP:0001258.

Allele frequency attached by ClinVar (database versions not stated): TOPMed 0.00001; gnomAD exomes 0.00002.
gnomAD v4.1: 24 of 1,611,340 alleles (0.0015%); highest among the groups gnomAD compares: Middle Eastern, 0.017%; no homozygotes.

Submissions (2):

Ambry Genetics
Classification: Uncertain significance for Inborn genetic diseases. Last evaluated: 2023-12-27. Review status: criteria provided, single submitter. Criteria: Ambry Variant Classification Scheme 2023. Collection method: clinical testing. Allele origin: germline.

Labcorp Genetics (formerly Invitae), Labcorp
Classification: Uncertain significance for Spastic paraplegia. Last evaluated: 2022-06-27. Review status: criteria provided, single submitter. Criteria: Invitae Variant Classification Sherloc (09022015). Collection method: clinical testing. Allele origin: germline.
Comment: ClinVar contains an entry for this variant (Variation ID: 998524). This variant has not been reported in the literature in individuals affected with ERLIN2-related conditions. This variant is present in population databases (no rsID available, gnomAD 0.004%). This sequence change replaces leucine, which is neutral and non-polar, with methionine, which is neutral and non-polar, at codon 274 of the ERLIN2 protein (p.Leu274Met). Algorithms developed to predict the effect of missense changes on protein structure and function (SIFT, PolyPhen-2, Align-GVGD) all suggest that this variant is likely to be tolerated. In summary, the available evidence is currently insufficient to determine the role of this variant in disease. Therefore, it has been classified as a Variant of Uncertain Significance.

NM_007175.8(ERLIN2):c.820C>A (p.Leu274Met)

Gene: ERLIN2 (ER lipid raft associated 2; plus strand). Cytogenetic location: 8p11.23.
Variant type: single nucleotide variant.
Coding change: c.820C>A on transcript NM_007175.8 (MANE Select); coding-DNA position 820, C replaced by A.
Protein change: p.Leu274Met; replaces leucine 274 with methionine.
Molecular consequence: missense variant.
Genome position (GRCh38, 1-based): chr8:37,753,915, C>A. VCF-style: chr8-37753915-C-A. GRCh37 (hg19) VCF-style: chr8-37611433-C-A.
Other names: c.820C>A, p.Leu274Met (NM_001362878.2); c.820C>A (NM_007175.6); short protein forms L274M.
Identifiers: ClinVar variation 998524 (VCV000998524.6), dbSNP rs1481759100, ClinGen allele CA370662454.
Genomic context (GRCh38, chr8:37,753,915, plus strand): 5'-TCCCCTCCTTCTCTAATATGGTTCAACATAAGTCTTCCATACTTTTTTTTTTTTTAACAG[C>A]TGAAGCTAACCCCTGAATATCTGCAGCTGATGAAGTACAAGGCCATTGCTTCCAACAGCA-3'
Protein context (NP_009106.1, residues 264-284): TAMKIAEANK[Leu274Met]KLTPEYLQLM